The following is an entry in ClinVar:

NM_003743.5(NCOA1):c.3700G>C (p.Gly1234Arg)

Gene: NCOA1 (nuclear receptor coactivator 1; plus strand). Cytogenetic location: 2p23.3.
Variant type: single nucleotide variant.
Coding change: c.3700G>C on transcript NM_003743.5 (MANE Select); coding-DNA position 3700, G replaced by C.
Protein change: p.Gly1234Arg; replaces glycine 1234 with arginine.
Molecular consequence: missense variant.
Genome position (GRCh38, 1-based): chr2:24,742,180, G>C. VCF-style: chr2-24742180-G-C. GRCh37 (hg19) VCF-style: chr2-24965049-G-C.
Other names: c.3700G>C, p.Gly1234Arg (NM_001362950.1, NM_001362952.1, NM_001362954.1 and 3 more transcripts); short protein forms G1234R.
Identifiers: ClinVar variation 5000228 (VCV005000228.1).

ClinVar aggregate classification (germline): Uncertain significance (1 of 4 stars; one submission).

Conditions:
NCOA1-related disorder. Also called: NCOA1-related condition.

gnomAD v4.1: 1 of 1,608,654 alleles (0.000062%); highest among the groups gnomAD compares: African/African-American, 0.0013%; no homozygotes.

Submission:

PreventionGenetics, part of Exact Sciences
Classification: Uncertain significance for NCOA1-related condition. Last evaluated: 2024-12-04. Review status: criteria provided, single submitter. Criteria: ACMG Guidelines, 2015. Collection method: clinical testing. Allele origin: germline.
Comment: The NCOA1 c.3700G>C variant is predicted to result in the amino acid substitution p.Gly1234Arg. To our knowledge, this variant has not been reported in the literature or in a large population database (gnomAD), indicating this variant is rare. At this time, the clinical significance of this variant is uncertain due to the absence of conclusive functional and genetic evidence.